The following is an entry in ClinVar:

NC_000009.11:g.(407070_414781)_(465260_?)dup

Gene: DOCK8 (dedicator of cytokinesis 8; plus strand). Cytogenetic location: 9p24.3.
Variant type: Duplication.
Identifiers: ClinVar variation 1723439 (VCV001723439.1).

ClinVar aggregate classification (germline): Uncertain significance (1 of 4 stars; one submission).

Submission:

Women's Health and Genetics/Laboratory Corporation of America, LabCorp
Classification: Uncertain significance. Last evaluated: 2022-10-03. Review status: criteria provided, single submitter. Criteria: LabCorp Variant Classification Summary - May 2015. Collection method: clinical testing. Allele origin: germline.
Comment: Variant summary: The variant identified by MLPA or other technology involves the duplication of exons 29-48, which includes the last exon of the DOCK8 gene. A presumed nomenclature of c.(3530+1_3531-1)_(*1041_?)dup has been designated for the purposes of this classification. It has been assumed that this is a tandem duplication in direct orientation (Richardson_GIM_2018, Newman_AJHG_2015). The variant was absent in 21692 control chromosomes (gnomAD database, Structural Variants dataset). The available data on variant occurrences in the general population are insufficient to allow any conclusion about variant significance. To our knowledge, no occurrence of c.(3530+1_3531-1)_(*1041_?)dup in individuals affected with Severe Combined Immunodeficiency and no experimental evidence demonstrating its impact on protein function have been reported. One clinical diagnostic laboratory has submitted a clinical-significance assessment for this variant to ClinVar after 2014 and classified the variant as uncertain significance. Based on the evidence outlined above, the variant was classified as uncertain significance.